The following is an entry in ClinVar:

NM_000264.5(PTCH1):c.2521C>T (p.Pro841Ser)

Genes: PTCH1 (patched 1; minus strand), LOC100507346 (uncharacterized LOC100507346; plus strand). Cytogenetic location: 9q22.32.
Variant type: single nucleotide variant.
Coding change: c.2521C>T on transcript NM_000264.5 (MANE Select); coding-DNA position 2521, C replaced by T.
Protein change: p.Pro841Ser; replaces proline 841 with serine.
Molecular consequence: missense variant. On other transcripts: non-coding transcript variant (2).
Genome position (GRCh38, 1-based): chr9:95,467,155, G>A on the plus strand (C>T on the coding strand, the complement: PTCH1 is on the minus strand). VCF-style: chr9-95467155-G-A. GRCh37 (hg19) VCF-style: chr9-98229437-G-A.
Other names: c.2323C>T, p.Pro775Ser (NM_001083602.3); c.2518C>T, p.Pro840Ser (NM_001083603.3); c.2068C>T, p.Pro690Ser (NM_001083604.3, NM_001083605.3, NM_001083606.3 and 1 more transcripts); c.2365C>T, p.Pro789Ser (NM_001354918.2); short protein forms P789S, P840S, P690S, P775S, P841S.
Identifiers: ClinVar variation 2564408 (VCV002564408.3), dbSNP rs2117948672, ClinGen allele CA374113818.
Genomic context (GRCh38, chr9:95,467,155, plus strand): 5'-GAGCCTCCCACGCCGTCTTACCCTGAAGCCAGTCTCTGAAGTAGTGCAGCCACATTTTGG[G>A]AAGCTGTTTGTTTTCTTCCAACATGACATACTTCACGTTACTGAAACTCCTGTGTAGGTC-3'
Protein context (NP_000255.2, residues 831-851): YVMLEENKQL[Pro841Ser]KMWLHYFRDW

ClinVar aggregate classification (germline): Uncertain significance (1 of 4 stars; one submission).

Conditions:
Hereditary cancer-predisposing syndrome. Also called: Neoplastic Syndromes, Hereditary; Hereditary Cancer Syndrome; Hereditary neoplastic syndrome; Tumor predisposition. Identifiers: Orphanet 140162, MedGen C0027672, MeSH D009386, MONDO:0015356.

Submission:

Ambry Genetics
Classification: Uncertain significance for Hereditary cancer-predisposing syndrome. Last evaluated: 2025-08-21. Review status: criteria provided, single submitter. Criteria: Ambry Variant Classification Scheme 2023. Collection method: clinical testing. Allele origin: germline.
Comment: The p.P841S variant (also known as c.2521C>T), located in coding exon 15 of the PTCH1 gene, results from a C to T substitution at nucleotide position 2521. The proline at codon 841 is replaced by serine, an amino acid with similar properties. This amino acid position is highly conserved in available vertebrate species. In addition, this alteration is predicted to be deleterious by in silico analysis. Based on the available evidence, the clinical significance of this variant remains unclear.